The following is an entry in ClinVar:

NM_020911.2(PLXNA4):c.2122G>A (p.Asp708Asn)

Gene: PLXNA4 (plexin A4; minus strand). Cytogenetic location: 7q32.3.
Variant type: single nucleotide variant.
Coding change: c.2122G>A on transcript NM_020911.2 (MANE Select); coding-DNA position 2122, G replaced by A.
Protein change: p.Asp708Asn; replaces aspartic acid 708 with asparagine.
Molecular consequence: missense variant.
Genome position (GRCh38, 1-based): chr7:132,211,119, C>T on the plus strand (G>A on the coding strand, the complement: PLXNA4 is on the minus strand). VCF-style: chr7-132211119-C-T. GRCh37 (hg19) VCF-style: chr7-131895878-C-T.
Other names: c.2122G>A, p.Asp708Asn (NM_001393897.1); short protein forms D708N.
Identifiers: ClinVar variation 4982008 (VCV004982008.1).
Genomic context (GRCh38, chr7:132,211,119, plus strand): 5'-GGAGGTTCTTGGCCTTCAGCGTGATAGGCTTGATCACCTCCACGGGCACCAGGATCTTGT[C>T]CACTCGCAGCAGCTGGGGGCAGTCCTGGGGACAGAGGGCATGGCTCAGGCTGGGCAGCCA-3'
Protein context (NP_065962.1, residues 698-718): PEDCPQLLRV[Asp708Asn]KILVPVEVIK

ClinVar aggregate classification (germline): Uncertain significance (1 of 4 stars; one submission).

Conditions:
PLXNA4-related disorder. Also called: PLXNA4-related condition.

gnomAD v4.1: 5 of 1,565,892 alleles (0.00032%); highest among the groups gnomAD compares: Non-Finnish European, 0.00043%; no homozygotes.

Submission:

PreventionGenetics, part of Exact Sciences
Classification: Uncertain significance for PLXNA4-related condition. Last evaluated: 2025-08-22. Review status: criteria provided, single submitter. Criteria: ACMG Guidelines, 2015. Collection method: clinical testing. Allele origin: germline.
Comment: The PLXNA4 c.2122G>A variant is predicted to result in the amino acid substitution p.Asp708Asn. To our knowledge, this variant has not been reported in the literature. This variant is reported in 0.0% of alleles in individuals of African descent in gnomAD. At this time, the clinical significance of this variant is uncertain due to the absence of conclusive functional and genetic evidence.